The following is an entry in ClinVar:

ClinVar aggregate classification (germline): Likely benign (1 of 4 stars; one submission).

Submission:

CeGaT Center for Human Genetics Tuebingen
Classification: Likely benign. Last evaluated: 2022-10-01. Review status: criteria provided, single submitter. Criteria: CeGaT Center For Human Genetics Tuebingen Variant Classification Criteria Version 2. Collection method: clinical testing. Allele origin: germline. Affected: yes. Observed: 1 variant allele.
Comment: GJD4: PM2:Supporting, BP4, BP7

NM_153368.3(GJD4):c.84C>A (p.Leu28=)

Genes: GJD4 (gap junction protein delta 4; plus strand), GJD4-AS1 (GJD4 antisense RNA 1; minus strand). Cytogenetic location: 10p11.21.
Variant type: single nucleotide variant.
Coding change: c.84C>A on transcript NM_153368.3 (MANE Select); coding-DNA position 84, C replaced by A.
Protein change: p.Leu28=; no amino-acid change (leucine 28 retained).
Molecular consequence: synonymous variant.
Genome position (GRCh38, 1-based): chr10:35,607,597, C>A. VCF-style: chr10-35607597-C-A. GRCh37 (hg19) VCF-style: chr10-35896525-C-A.
Identifiers: ClinVar variation 2640406 (VCV002640406.24), dbSNP rs1010709653, ClinGen allele CA468737320.